The following is an entry in ClinVar:

ClinVar aggregate classification (germline): Uncertain significance (1 of 4 stars; one submission).

Submission:

Ambry Genetics
Classification: Uncertain significance. Last evaluated: 2022-07-19. Review status: criteria provided, single submitter. Criteria: Ambry Variant Classification Scheme 2023. Collection method: clinical testing. Allele origin: germline.
Comment: The p.D225V variant (also known as c.674A>T), located in coding exon 4 of the IDH1 gene, results from an A to T substitution at nucleotide position 674. The aspartic acid at codon 225 is replaced by valine, an amino acid with highly dissimilar properties. This amino acid position is conserved. In addition, this alteration is predicted to be deleterious by in silico analysis. Since supporting evidence is limited at this time, the clinical significance of this alteration remains unclear.

NM_005896.4(IDH1):c.674A>T (p.Asp225Val)

Gene: IDH1 (isocitrate dehydrogenase (NADP(+)) 1; minus strand). Cytogenetic location: 2q34.
Variant type: single nucleotide variant.
Coding change: c.674A>T on transcript NM_005896.4 (MANE Select); coding-DNA position 674, A replaced by T.
Protein change: p.Asp225Val; replaces aspartic acid 225 with valine.
Molecular consequence: missense variant.
Genome position (GRCh38, 1-based): chr2:208,243,451, T>A on the plus strand (A>T on the coding strand, the complement: IDH1 is on the minus strand). VCF-style: chr2-208243451-T-A. GRCh37 (hg19) VCF-style: chr2-209108175-T-A.
Other names: c.674A>T, p.Asp225Val (NM_001282386.1, NM_001282387.1); short protein forms D225V.
Identifiers: ClinVar variation 1755222 (VCV001755222.2), dbSNP rs2469021888, ClinGen allele CA350098714.
Genomic context (GRCh38, chr2:208,243,451, plus strand): 5'-AGAATAAAGAAAAAGTTAAAAAAGAACTATAGTTACTTGTCATATATCTCCTGAAAGATG[T>A]CTTTAAAACGCCCATCATATTTCTTCAGAATAGTGTTTTTGGTGCTCAGATACAAAGGCC-3'
Protein context (NP_005887.2, residues 215-235): ILKKYDGRFK[Asp225Val]IFQEIYDKQY